The following is an entry in ClinVar:

NM_004360.5(CDH1):c.2323G>C (p.Gly775Arg)

Gene: CDH1 (cadherin 1; plus strand). Cytogenetic location: 16q22.1.
Variant type: single nucleotide variant.
Coding change: c.2323G>C on transcript NM_004360.5 (MANE Select); coding-DNA position 2323, G replaced by C.
Protein change: p.Gly775Arg; replaces glycine 775 with arginine.
Molecular consequence: missense variant.
Genome position (GRCh38, 1-based): chr16:68,829,681, G>C. VCF-style: chr16-68829681-G-C. GRCh37 (hg19) VCF-style: chr16-68863584-G-C.
Other names: c.2140G>C, p.Gly714Arg (NM_001317184.2); c.775G>C, p.Gly259Arg (NM_001317185.2); c.358G>C, p.Gly120Arg (NM_001317186.2); short protein forms G714R, G120R, G259R, G775R.
Identifiers: ClinVar variation 1789614 (VCV001789614.2), dbSNP rs1163417116, ClinGen allele CA396470883.

ClinVar aggregate classification (germline): Uncertain significance (1 of 4 stars; one submission).

Conditions:
Hereditary cancer-predisposing syndrome. Also called: Hereditary Cancer Syndrome; Hereditary neoplastic syndrome; Tumor predisposition; Neoplastic Syndromes, Hereditary. Identifiers: Orphanet 140162, MedGen C0027672, MeSH D009386, MONDO:0015356.

Submission:

Ambry Genetics
Classification: Uncertain significance for Hereditary cancer-predisposing syndrome. Last evaluated: 2022-04-08. Review status: criteria provided, single submitter. Criteria: Ambry Variant Classification Scheme 2023. Collection method: clinical testing. Allele origin: germline.
Comment: The p.G775R variant (also known as c.2323G>C), located in coding exon 15 of the CDH1 gene, results from a G to C substitution at nucleotide position 2323. The glycine at codon 775 is replaced by arginine, an amino acid with dissimilar properties. This amino acid position is conserved. In addition, this alteration is predicted to be deleterious by in silico analysis. Since supporting evidence is limited at this time, the clinical significance of this alteration remains unclear.